The following is an entry in ClinVar:

NM_152383.5(DIS3L2):c.2385C>G (p.Ile795Met)

Gene: DIS3L2 (DIS3 like 3'-5' exoribonuclease 2; plus strand). Cytogenetic location: 2q37.1.
Variant type: single nucleotide variant.
Coding change: c.2385C>G on transcript NM_152383.5 (MANE Select); coding-DNA position 2385, C replaced by G.
Protein change: p.Ile795Met; replaces isoleucine 795 with methionine.
Molecular consequence: missense variant. On other transcripts: non-coding transcript variant (2), intron variant (1).
Genome position (GRCh38, 1-based): chr2:232,334,726, C>G. VCF-style: chr2-232334726-C-G. GRCh37 (hg19) VCF-style: chr2-233199436-C-G.
Other names: c.1582-8619C>G (NM_001257281.2); short protein forms I795M.
Identifiers: ClinVar variation 2831996 (VCV002831996.3), dbSNP rs2106354798, ClinGen allele CA350978100.

ClinVar aggregate classification (germline): Uncertain significance (1 of 4 stars; one submission).

Conditions:
Perlman syndrome (PRLMNS). Identifiers: Orphanet 2849, MedGen C0796113, MONDO:0009965, OMIM 267000.

Submission:

Labcorp Genetics (formerly Invitae), Labcorp
Classification: Uncertain significance for Perlman syndrome. Last evaluated: 2023-01-26. Review status: criteria provided, single submitter. Criteria: Invitae Variant Classification Sherloc (09022015). Collection method: clinical testing. Allele origin: germline.
Comment: In summary, the available evidence is currently insufficient to determine the role of this variant in disease. Therefore, it has been classified as a Variant of Uncertain Significance. Advanced modeling of protein sequence and biophysical properties (such as structural, functional, and spatial information, amino acid conservation, physicochemical variation, residue mobility, and thermodynamic stability) performed at Invitae indicates that this missense variant is not expected to disrupt DIS3L2 protein function. This variant has not been reported in the literature in individuals affected with DIS3L2-related conditions. This variant is not present in population databases (gnomAD no frequency). This sequence change replaces isoleucine, which is neutral and non-polar, with methionine, which is neutral and non-polar, at codon 795 of the DIS3L2 protein (p.Ile795Met).